The following is an entry in ClinVar:

ClinVar aggregate classification (germline): Uncertain significance. Review status: criteria provided, multiple submitters, no conflicts (2 of 4 stars). 2 submissions from 2 submitters: Uncertain significance (2). Last evaluated 2025-07-29.

Conditions:
Hereditary cancer-predisposing syndrome. Also called: Neoplastic Syndromes, Hereditary; Hereditary neoplastic syndrome; Tumor predisposition; Hereditary Cancer Syndrome. Identifiers: Orphanet 140162, MedGen C0027672, MeSH D009386, MONDO:0015356.
Ataxia-telangiectasia syndrome (AT). Also called: Ataxia telangiectasia (A-T); Cerebello-oculocutaneous telangiectasia; Immunodeficiency with ataxia telangiectasia; LOUIS-BAR SYNDROME; AT, COMPLEMENTATION GROUP C; ATAXIA-TELANGIECTASIA, FRESNO VARIANT. Identifiers: Orphanet 100, MedGen C0004135, MONDO:0008840, OMIM 208900.

Submissions (2):

Labcorp Genetics (formerly Invitae), Labcorp
Classification: Uncertain significance for Ataxia-telangiectasia syndrome. Last evaluated: 2025-07-29. Review status: criteria provided, single submitter. Criteria: Invitae Variant Classification Sherloc (09022015). Collection method: clinical testing. Allele origin: germline.
Comment: This sequence change replaces threonine, which is neutral and polar, with arginine, which is basic and polar, at codon 1984 of the ATM protein (p.Thr1984Arg). This variant is not present in population databases (gnomAD no frequency). This variant has not been reported in the literature in individuals affected with ATM-related conditions. ClinVar contains an entry for this variant (Variation ID: 236744). Invitae Evidence Modeling of protein sequence and biophysical properties (such as structural, functional, and spatial information, amino acid conservation, physicochemical variation, residue mobility, and thermodynamic stability) indicates that this missense variant is not expected to disrupt ATM protein function with a negative predictive value of 95%. Algorithms developed to predict the effect of sequence changes on RNA splicing suggest that this variant may disrupt the consensus splice site. In summary, the available evidence is currently insufficient to determine the role of this variant in disease. Therefore, it has been classified as a Variant of Uncertain Significance.

Ambry Genetics
Classification: Uncertain significance for Hereditary cancer-predisposing syndrome. Last evaluated: 2021-07-04. Review status: criteria provided, single submitter. Criteria: Ambry Variant Classification Scheme 2023. Collection method: clinical testing. Allele origin: germline.
Comment: The p.T1984R variant (also known as c.5951C>G), located in coding exon 39 of the ATM gene, results from a C to G substitution at nucleotide position 5951. This alteration was observed with an allele frequency of 0.0000 in 7,051 unselected female breast cancer patients and was observed with an allele frequency of 0.00009 in 11,241 female controls of Japanese ancestry. In addition, it was observed with an allele frequency of 0.0000 in 53 unselected male breast cancer patients and was observed with an allele frequency of 0.0003 in 12,490 male controls of Japanese ancestry (Momozawa Y et al. Nat Commun, 2018 10;9:4083). The threonine at codon 1984 is replaced by arginine, an amino acid with similar properties. This amino acid position is not well conserved in available vertebrate species. In addition, this alteration is predicted to be tolerated by in silico analysis. Since supporting evidence is limited at this time, the clinical significance of this alteration remains unclear.

Literature cited by the submitters: PubMed 30287823 (cited by Ambry Genetics).

NM_000051.4(ATM):c.5951C>G (p.Thr1984Arg)

Genes: ATM (ATM serine/threonine kinase; plus strand), C11orf65 (chromosome 11 open reading frame 65; minus strand). Cytogenetic location: 11q22.3.
Variant type: single nucleotide variant.
Coding change: c.5951C>G on transcript NM_000051.4 (MANE Select); coding-DNA position 5951, C replaced by G.
Protein change: p.Thr1984Arg; replaces threonine 1984 with arginine.
Molecular consequence: missense variant. On other transcripts: intron variant (2).
Genome position (GRCh38, 1-based): chr11:108,312,443, C>G. VCF-style: chr11-108312443-C-G. GRCh37 (hg19) VCF-style: chr11-108183170-C-G.
Other names: c.5951C>G, p.Thr1984Arg (NM_001351834.2); c.641-3372G>C (NM_001330368.2); c.*39-3372G>C (NM_001351110.2); short protein forms T1984R.
Identifiers: ClinVar variation 236744 (VCV000236744.12), dbSNP rs770722380, ClinGen allele CA10582834.
Genomic context (GRCh38, chr11:108,312,443, plus strand): 5'-TTAAAAGAGGTGTTCTTGTGACAAACAGAAGTCTTGCATTTGAAGAAGGAAGCCAGAGTA[C>G]AACTATTTCTAGCTTGAGTGAAAAAAGTAAAGAAGAAACTGGAATAAGTTTACAGGTAAA-3'
Protein context (NP_000042.3, residues 1974-1994): SLAFEEGSQS[Thr1984Arg]TISSLSEKSK